The following is an entry in ClinVar:

ClinVar aggregate classification (germline): Likely benign. Review status: criteria provided, multiple submitters, no conflicts (2 of 4 stars). 4 submissions from 4 submitters: Likely benign (4). Last evaluated 2025-07-16.

Conditions:
Inborn genetic diseases. Identifiers: MedGen C0950123, MeSH D030342.

Allele frequency attached by ClinVar (database versions not stated): gnomAD exomes 0.00004 and 0.00015; ExAC 0.00005; gnomAD 0.00008 and 0.00009; TOPMed 0.00012; 1000 Genomes Project 30x 0.00047; 1000 Genomes Project 0.00060.
gnomAD v4.1: 70 of 1,551,234 alleles (0.0045%); highest among the groups gnomAD compares: East Asian, 0.083%; no homozygotes.

Submissions (5):

Labcorp Genetics (formerly Invitae), Labcorp
Classification: Likely benign. Last evaluated: 2025-07-16. Review status: criteria provided, single submitter. Criteria: Invitae Variant Classification Sherloc (09022015). Collection method: clinical testing. Allele origin: germline.

CeGaT Center for Human Genetics Tuebingen
Classification: Likely benign. Last evaluated: 2025-04-01. Review status: criteria provided, single submitter. Criteria: CeGaT Center For Human Genetics Tuebingen Variant Classification Criteria Version 2. Collection method: clinical testing. Allele origin: germline. Affected: yes. Observed: 1 variant allele.
Comment: TRAPPC9: BP4, BP7

Blueprint Genetics
Classification: Likely benign. Last evaluated: 2022-05-27. Review status: criteria provided, single submitter. Criteria: ACMG Guidelines, 2015. Collection method: clinical testing. Allele origin: germline.

Ambry Genetics
Classification: Likely benign for Inborn genetic diseases. Last evaluated: 2017-08-07. Review status: criteria provided, single submitter. Criteria: Ambry Variant Classification Scheme 2023. Collection method: clinical testing. Allele origin: germline.

Dr. Peter K. Rogan Lab, Western University
No classification provided (evidence only). Condition: Familial cancer of breast. Review status: no classification provided. Collection method: in vitro. Allele origin: not applicable. Functional consequence: skipped exon. Not counted in ClinVar's aggregate classification.

NM_001160372.4(TRAPPC9):c.2775C>T (p.Ser925=)

Gene: TRAPPC9 (trafficking protein particle complex subunit 9; minus strand). Cytogenetic location: 8q24.3.
Variant type: single nucleotide variant.
Coding change: c.2775C>T on transcript NM_001160372.4 (MANE Select); coding-DNA position 2775, C replaced by T.
Protein change: p.Ser925=; no amino-acid change (serine 925 retained).
Molecular consequence: synonymous variant. On other transcripts: non-coding transcript variant (1), intron variant (1).
Genome position (GRCh38, 1-based): chr8:139,988,761, G>A on the plus strand (C>T on the coding strand, the complement: TRAPPC9 is on the minus strand). VCF-style: chr8-139988761-G-A. GRCh37 (hg19) VCF-style: chr8-140998969-G-A.
Other names: c.2748C>T, p.Ser916= (NM_001321646.2); c.2796C>T, p.Ser932= (NM_001374682.1); c.2631C>T, p.Ser877= (NM_001374684.1); c.2775C>T, p.Ser925= (NM_031466.8); c.2699+35176C>T (NM_001374683.1).
Identifiers: ClinVar variation 1668955 (VCV001668955.19), dbSNP rs547773428, ClinGen allele CA4892985.